The following is an entry in ClinVar:

NM_207361.6(FREM2):c.1505C>T (p.Ser502Phe)

Gene: FREM2 (FRAS1 related extracellular matrix 2; plus strand). Cytogenetic location: 13q13.3.
Variant type: single nucleotide variant.
Coding change: c.1505C>T on transcript NM_207361.6 (MANE Select); coding-DNA position 1505, C replaced by T.
Protein change: p.Ser502Phe; replaces serine 502 with phenylalanine.
Molecular consequence: missense variant.
Genome position (GRCh38, 1-based): chr13:38,688,849, C>T. VCF-style: chr13-38688849-C-T. GRCh37 (hg19) VCF-style: chr13-39262986-C-T.
Other names: c.1505C>T (NM_207361.5); short protein forms S502F.
Identifiers: ClinVar variation 311947 (VCV000311947.10), dbSNP rs202008233, ClinGen allele CA6954424.

ClinVar aggregate classification (germline): Uncertain significance. Review status: criteria provided, multiple submitters, no conflicts (2 of 4 stars). 4 submissions from 4 submitters: Uncertain significance (4). Last evaluated 2024-11-18.

Conditions:
FREM2-related disorder. Also called: FREM2-related condition.
Fraser syndrome 2 (FRASRS2). Identifiers: MedGen C4540036, MONDO:0054738, OMIM 617666.
Isolated cryptophthalmia. Also called: ANKYLOBLEPHARON, SIMPLE; Cryptophthalmos, unilateral or bilateral, isolated. Identifiers: Orphanet 91396, MedGen C1852453, MONDO:0007410, OMIM 123570.

Allele frequency attached by ClinVar (database versions not stated): gnomAD 0.00020 and 0.00019; TOPMed 0.00011; ESP Exome Variant Server 0.00015; gnomAD exomes 0.00016 and 0.00019; ExAC 0.00017.

Submissions (4):

PreventionGenetics, part of Exact Sciences
Classification: Uncertain significance for FREM2-related condition. Last evaluated: 2024-11-18. Review status: criteria provided, single submitter. Criteria: ACMG Guidelines, 2015. Collection method: clinical testing. Allele origin: germline.
Comment: The FREM2 c.1505C>T variant is predicted to result in the amino acid substitution p.Ser502Phe. This variant was reported with a second FREM2 variant in an individual with focal segmental glomerulosclerosis (Supp. Table 4 Wang et al. 2019. PubMed ID: 31308072). This variant is reported in 0.034% of alleles in individuals of European (non-Finnish) descent in gnomAD. At this time, the clinical significance of this variant is uncertain due to the absence of conclusive functional and genetic evidence.

Fulgent Genetics
Classification: Uncertain significance for Isolated cryptophthalmia; Fraser syndrome 2. Last evaluated: 2024-02-28. Review status: criteria provided, single submitter. Criteria: ACMG Guidelines, 2015. Collection method: clinical testing. Allele origin: germline.

Labcorp Genetics (formerly Invitae), Labcorp
Classification: Uncertain significance. Last evaluated: 2022-07-29. Review status: criteria provided, single submitter. Criteria: Invitae Variant Classification Sherloc (09022015). Collection method: clinical testing. Allele origin: germline.
Comment: This sequence change replaces serine, which is neutral and polar, with phenylalanine, which is neutral and non-polar, at codon 502 of the FREM2 protein (p.Ser502Phe). This variant is present in population databases (rs202008233, gnomAD 0.03%). This variant has not been reported in the literature in individuals affected with FREM2-related conditions. ClinVar contains an entry for this variant (Variation ID: 311947). Algorithms developed to predict the effect of missense changes on protein structure and function are either unavailable or do not agree on the potential impact of this missense change (SIFT: "Deleterious"; PolyPhen-2: "Benign"; Align-GVGD: "Class C0"). In summary, the available evidence is currently insufficient to determine the role of this variant in disease. Therefore, it has been classified as a Variant of Uncertain Significance.

Illumina Laboratory Services, Illumina
Classification: Uncertain significance for Fraser syndrome 2. Last evaluated: 2018-01-12. Review status: criteria provided, single submitter. Criteria: ICSL Variant Classification Criteria 13 December 2019. Collection method: clinical testing. Allele origin: germline.